The following is an entry in ClinVar:

NM_000059.4(BRCA2):c.8383T>A (p.Phe2795Ile)

Gene: BRCA2 (BRCA2 DNA repair associated; plus strand). Cytogenetic location: 13q13.1.
Variant type: single nucleotide variant.
Coding change: c.8383T>A on transcript NM_000059.4 (MANE Select); coding-DNA position 8383, T replaced by A.
Protein change: p.Phe2795Ile; replaces phenylalanine 2795 with isoleucine.
Molecular consequence: missense variant. On other transcripts: non-coding transcript variant (1).
Genome position (GRCh38, 1-based): chr13:32,370,453, T>A. VCF-style: chr13-32370453-T-A. GRCh37 (hg19) VCF-style: chr13-32944590-T-A.
Other names: c.8287T>A, p.Phe2763Ile (NM_001406719.1); c.8383T>A, p.Phe2795Ile (NM_001406720.1, NM_001432077.1); c.3451T>A, p.Phe1151Ile (NM_001406721.1); c.1966T>A, p.Phe656Ile (NM_001406722.1); short protein forms F1151I, F2763I, F2795I, F656I.
Identifiers: ClinVar variation 4856456 (VCV004856456.1).

ClinVar aggregate classification (germline): Likely benign (1 of 4 stars; one submission).

Conditions:
Breast-ovarian cancer, familial, susceptibility to, 2 (BROVCA2). Also called: BRCA2 Hereditary Breast and Ovarian Cancer. Identifiers: Orphanet 145, MedGen C2675520, MONDO:0012933, OMIM 612555. Disease mechanism: loss of function.

gnomAD v4.1: 1 of 1,614,082 alleles (0.000062%); highest among the groups gnomAD compares: South Asian, 0.0011%; no homozygotes.

Submission:

Cancer Bioinformatics and Tumour Evolution Laboratory, Monash University
Classification: Likely benign for Breast-ovarian cancer, familial, susceptibility to, 2. Last evaluated: 2026-05-01. Review status: criteria provided, single submitter. Criteria: ClinGen BRCA1 and BRCA2 Guidelines, 2024. Collection method: curation. Allele origin: germline. Inheritance: Autosomal dominant inheritance.
Comment: This variant is in a functional domain (DNA Binding Domains). The BayesDel score is -0.156366, which means no deleterious impact is predicted. Hence, BP4 is applied. PMID: 39779857 - SGE followed by HDR assay on haploid human HAP1 cells. This variant (c.8383T>A; p.Phe2795Ile) was found to be benign along with all other missenses at this position. PMID: 39779848 - SGE followed by HDR on mES cells. This variant (c.8383T>A; Phe2795Ile) was found to be strongly benign along woth all other missenses at this position. Based on these functional studies, BS3 is applied.

Literature cited by the submitters: PubMed 39779857; PubMed 39779848.